The following is an entry in ClinVar:

ClinVar aggregate classification (germline): Uncertain significance (1 of 4 stars; one submission).

Conditions:
Glycogen storage disease type III (GSD3). Also called: Cori disease; FORBES DISEASE. Identifiers: Orphanet 366, MedGen C0017922, MONDO:0009291, OMIM 232400.

Allele frequency attached by ClinVar (database versions not stated): gnomAD exomes below 0.00001; TOPMed below 0.00001.
gnomAD v4.1: 1 of 1,613,436 alleles (0.000062%); no homozygotes.

Submission:

Labcorp Genetics (formerly Invitae), Labcorp
Classification: Uncertain significance for Glycogen storage disease type III. Last evaluated: 2021-08-28. Review status: criteria provided, single submitter. Criteria: Invitae Variant Classification Sherloc (09022015). Collection method: clinical testing. Allele origin: germline.
Comment: This sequence change falls in intron 22 of the AGL gene. It does not directly change the encoded amino acid sequence of the AGL protein. It affects a nucleotide within the consensus splice site of the intron. This variant is not present in population databases (ExAC no frequency). This variant has not been reported in the literature in individuals affected with AGL-related conditions. Variants that disrupt the consensus splice site are a relatively common cause of aberrant splicing (PMID: 17576681, 9536098). Algorithms developed to predict the effect of sequence changes on RNA splicing suggest that this variant may disrupt the consensus splice site. In summary, the available evidence is currently insufficient to determine the role of this variant in disease. Therefore, it has been classified as a Variant of Uncertain Significance.

Literature cited by the submitters: PubMed 17576681; PubMed 9536098.

NM_000642.3(AGL):c.2949+6T>C

Gene: AGL (amylo-alpha-1,6-glucosidase and 4-alpha-glucanotransferase; plus strand). Cytogenetic location: 1p21.2.
Variant type: single nucleotide variant.
Coding change: c.2949+6T>C on transcript NM_000642.3 (MANE Select); 6 bases into the intron after coding-DNA position 2949, T replaced by C.
Molecular consequence: intron variant.
Genome position (GRCh38, 1-based): chr1:99,891,362, T>C. VCF-style: chr1-99891362-T-C. GRCh37 (hg19) VCF-style: chr1-100356918-T-C.
Other names: c.2949+6T>C (NM_000643.3, NM_000644.3, NM_001425325.1 and 1 more transcripts); c.2901+6T>C (NM_000646.3); c.2928+6T>C (NM_001425326.1); c.2748+6T>C (NM_001425327.1); c.2745+6T>C (NM_001425328.1); c.2610+6T>C (NM_001425329.1); c.2571+6T>C (NM_001425332.1).
Identifiers: ClinVar variation 1004426 (VCV001004426.6), dbSNP rs1557772463, ClinGen allele CA1183933261.